The following is an entry in ClinVar:

ClinVar aggregate classification (germline): Uncertain significance (1 of 4 stars; one submission).

Conditions:
Exostoses, multiple, type 2 (EXT2). Also called: Hereditary Multiple Osteochondromatosis, Type II; EXOSTOSES, MULTIPLE, TYPE II. Identifiers: Orphanet 321, MedGen C1851413, MONDO:0007586, OMIM 133701.

Submission:

Labcorp Genetics (formerly Invitae), Labcorp
Classification: Uncertain significance for Exostoses, multiple, type 2. Last evaluated: 2022-04-09. Review status: criteria provided, single submitter. Criteria: Invitae Variant Classification Sherloc (09022015). Collection method: clinical testing. Allele origin: germline.
Comment: This variant is not present in population databases (gnomAD no frequency). This variant, c.1002_1004dup, results in the insertion of 1 amino acid(s) of the EXT2 protein (p.Leu335dup), but otherwise preserves the integrity of the reading frame. This variant has been observed in individual(s) with multiple osteochondromatosis (Invitae). In summary, the available evidence is currently insufficient to determine the role of this variant in disease. Therefore, it has been classified as a Variant of Uncertain Significance. Experimental studies and prediction algorithms are not available or were not evaluated, and the functional significance of this variant is currently unknown.

NM_207122.2(EXT2):c.1002_1004dup (p.Leu335_Gln336insLeu)

Gene: EXT2 (exostosin glycosyltransferase 2; plus strand). Cytogenetic location: 11p11.2.
Variant type: Duplication.
Coding change: c.1002_1004dup on transcript NM_207122.2 (MANE Select); coding-DNA positions 1002 to 1004, 3 bases duplicated (GTT; older notation c.1002_1004dupGTT).
Protein change: p.Leu335_Gln336insLeu.
Molecular consequence: inframe insertion.
Genome position (GRCh38, 1-based): chr11:44,126,878-44,126,880, GTT duplicated; duplicating any 3 consecutive bases within chr11:44,126,877-44,126,880 gives the same sequence; the c. name uses the placement nearest the transcript's 3' end. VCF-style (leftmost placement, unchanged base first): chr11-44126876-G-GTGT. GRCh37 (hg19) VCF-style: chr11-44148426-G-GTGT.
Other names: c.1101_1103dup, p.Leu368_Gln369insLeu (NM_000401.3); c.1002_1004dup, p.Leu335_Gln336insLeu (NM_001178083.3, NM_001389628.1, NM_001389630.1).
Identifiers: ClinVar variation 1966888 (VCV001966888.5), dbSNP rs2539568558, ClinGen allele CA2580084132.